The following is an entry in ClinVar:

NM_001113378.2(FANCI):c.247A>G (p.Lys83Glu)

Gene: FANCI (FA complementation group I; plus strand). Cytogenetic location: 15q26.1.
Variant type: single nucleotide variant.
Coding change: c.247A>G on transcript NM_001113378.2 (MANE Select); coding-DNA position 247, A replaced by G.
Protein change: p.Lys83Glu; replaces lysine 83 with glutamic acid.
Molecular consequence: missense variant. On other transcripts: 5 prime UTR variant (1).
Genome position (GRCh38, 1-based): chr15:89,260,802, A>G. VCF-style: chr15-89260802-A-G. GRCh37 (hg19) VCF-style: chr15-89804033-A-G.
Other names: c.-33A>G (NM_001376910.1); c.247A>G, p.Lys83Glu (NM_001376911.1, NM_018193.3); short protein forms K83E.
Identifiers: ClinVar variation 1386745 (VCV001386745.8), dbSNP rs2151253685, ClinGen allele CA393738044.

ClinVar aggregate classification (germline): Uncertain significance (1 of 4 stars; one submission).

Conditions:
Fanconi anemia (FA). Also called: Fanconi's anemia. Identifiers: Orphanet 84, MedGen C0015625, MeSH D005199, MONDO:0019391.

Submission:

Labcorp Genetics (formerly Invitae), Labcorp
Classification: Uncertain significance for Fanconi anemia. Last evaluated: 2022-08-16. Review status: criteria provided, single submitter. Criteria: Invitae Variant Classification Sherloc (09022015). Collection method: clinical testing. Allele origin: germline.
Comment: In summary, the available evidence is currently insufficient to determine the role of this variant in disease. Therefore, it has been classified as a Variant of Uncertain Significance. Algorithms developed to predict the effect of missense changes on protein structure and function (SIFT, PolyPhen-2, Align-GVGD) all suggest that this variant is likely to be tolerated. ClinVar contains an entry for this variant (Variation ID: 1386745). This variant has not been reported in the literature in individuals affected with FANCI-related conditions. This variant is not present in population databases (gnomAD no frequency). This sequence change replaces lysine, which is basic and polar, with glutamic acid, which is acidic and polar, at codon 83 of the FANCI protein (p.Lys83Glu).